The following is an entry in ClinVar:

NM_174936.4(PCSK9):c.1457G>A (p.Cys486Tyr)

Gene: PCSK9 (proprotein convertase subtilisin/kexin type 9; plus strand). Cytogenetic location: 1p32.3.
Variant type: single nucleotide variant.
Coding change: c.1457G>A on transcript NM_174936.4 (MANE Select); coding-DNA position 1457, G replaced by A.
Protein change: p.Cys486Tyr; replaces cysteine 486 with tyrosine.
Molecular consequence: missense variant. On other transcripts: non-coding transcript variant (8), intron variant (1).
Genome position (GRCh38, 1-based): chr1:55,058,601, G>A. VCF-style: chr1-55058601-G-A. GRCh37 (hg19) VCF-style: chr1-55524274-G-A.
Other names: c.1180+1087G>A (NM_001407247.1); c.1580G>A, p.Cys527Tyr (NM_001407240.1); c.1457G>A, p.Cys486Tyr (NM_001407241.1); c.1460G>A, p.Cys487Tyr (NM_001407242.1); c.1400G>A, p.Cys467Tyr (NM_001407243.1); c.1283G>A, p.Cys428Tyr (NM_001407244.1); c.1265G>A, p.Cys422Tyr (NM_001407245.1); c.1082G>A, p.Cys361Tyr (NM_001407246.1); short protein forms C361Y, C422Y, C428Y, C467Y, C486Y, C487Y, C527Y.
Identifiers: ClinVar variation 5017988 (VCV005017988.1).

ClinVar aggregate classification (germline): Uncertain significance (1 of 4 stars; one submission).

Submission:

GeneDx
Classification: Uncertain significance. Last evaluated: 2026-04-04. Review status: criteria provided, single submitter. Criteria: GeneDx Variant Classification Process June 2021. Collection method: clinical testing. Allele origin: germline.
Comment: Not observed at significant frequency in large population cohorts (gnomAD); In silico analysis supports that this missense variant has a deleterious effect on protein structure/function; Has not been previously published as pathogenic or benign to our knowledge